The following is an entry in ClinVar:

ClinVar aggregate classification (germline): Pathogenic/Likely pathogenic. Review status: criteria provided, multiple submitters, no conflicts (2 of 4 stars). 2 submissions from 2 submitters: Pathogenic (1); Likely pathogenic (1). Last evaluated 2024-02-01.

Conditions:
Arginase deficiency. Also called: ARGININEMIA; ARG1 DEFICIENCY; Arginase 1 Deficiency. Identifiers: Orphanet 90, MedGen C0268548, MONDO:0008814, OMIM 207800.

Allele frequency attached by ClinVar (database versions not stated): gnomAD exomes below 0.00001.
gnomAD v4.1: 3 of 1,613,838 alleles (0.00019%); highest among the groups gnomAD compares: Non-Finnish European, 0.00025%; no homozygotes.

Submissions (2):

Baylor Genetics
Classification: Likely pathogenic for Arginase deficiency. Last evaluated: 2024-02-01. Review status: criteria provided, single submitter. Criteria: ACMG Guidelines, 2015. Collection method: clinical testing. Allele origin: unknown.

Labcorp Genetics (formerly Invitae), Labcorp
Classification: Pathogenic for Arginase deficiency. Last evaluated: 2022-12-26. Review status: criteria provided, single submitter. Criteria: Invitae Variant Classification Sherloc (09022015). Collection method: clinical testing. Allele origin: germline.
Comment: This sequence change creates a premature translational stop signal (p.Trp122*) in the ARG1 gene. It is expected to result in an absent or disrupted protein product. Loss-of-function variants in ARG1 are known to be pathogenic (PMID: 7649538, 12052859). This variant is not present in population databases (gnomAD no frequency). This premature translational stop signal has been observed in individuals with arginase deficiency (PMID: 1463019, 24814679). ClinVar contains an entry for this variant (Variation ID: 1069104). For these reasons, this variant has been classified as Pathogenic.

Literature cited by the submitters: PubMed 7649538 (cited by Labcorp Genetics (formerly Invitae), Labcorp); PubMed 12052859 (cited by Labcorp Genetics (formerly Invitae), Labcorp); PubMed 1463019 (cited by Labcorp Genetics (formerly Invitae), Labcorp); PubMed 24814679 (cited by Labcorp Genetics (formerly Invitae), Labcorp).

NM_000045.4(ARG1):c.366G>A (p.Trp122Ter)

Genes: ARG1 (arginase 1; plus strand), MED23 (mediator complex subunit 23; minus strand). Cytogenetic location: 6q23.2.
Variant type: single nucleotide variant.
Coding change: c.366G>A on transcript NM_000045.4 (MANE Select); coding-DNA position 366, G replaced by A.
Protein change: p.Trp122Ter; replaces tryptophan 122 with a stop codon.
Molecular consequence: nonsense. On other transcripts: non-coding transcript variant (1), intron variant (3).
Genome position (GRCh38, 1-based): chr6:131,581,279, G>A. VCF-style: chr6-131581279-G-A. GRCh37 (hg19) VCF-style: chr6-131902419-G-A.
Other names: c.390G>A, p.Trp130Ter (NM_001244438.2); c.306-1781G>A (NM_001369020.1); c.4077+6430C>T (NM_001270521.2); c.4095+6430C>T (NM_015979.4); short protein forms W122*, W130*.
Identifiers: ClinVar variation 1069104 (VCV001069104.11), dbSNP rs2114539596, ClinGen allele CA365651014.